The following is an entry in ClinVar:

ClinVar aggregate classification (germline): Uncertain significance (1 of 4 stars; one submission).

Conditions:
Charcot-Marie-Tooth disease axonal type 2O. Also called: Charcot-Marie-Tooth Neuropathy Type 2O; Charcot-Marie-Tooth disease, axonal, type 20; CHARCOT-MARIE-TOOTH NEUROPATHY, AXONAL, TYPE 2O; CHARCOT-MARIE-TOOTH DISEASE, AXONAL, AUTOSOMAL DOMINANT, TYPE 2O. Identifiers: Orphanet 284232, MedGen C3280220, MONDO:0013644, OMIM 614228.

Allele frequency attached by ClinVar (database versions not stated): ExAC 0.00001.
gnomAD v4.1: 3 of 1,614,210 alleles (0.00019%); highest among the groups gnomAD compares: South Asian, 0.0011%; no homozygotes.

Submission:

Labcorp Genetics (formerly Invitae), Labcorp
Classification: Uncertain significance for Charcot-Marie-Tooth disease axonal type 2O. Last evaluated: 2025-06-01. Review status: criteria provided, single submitter. Criteria: Invitae Variant Classification Sherloc (09022015). Collection method: clinical testing. Allele origin: germline.
Comment: This sequence change replaces alanine, which is neutral and non-polar, with threonine, which is neutral and polar, at codon 2440 of the DYNC1H1 protein (p.Ala2440Thr). This variant is present in population databases (rs757980661, gnomAD 0.003%). This variant has not been reported in the literature in individuals affected with DYNC1H1-related conditions. ClinVar contains an entry for this variant (Variation ID: 950351). Invitae Evidence Modeling of protein sequence and biophysical properties (such as structural, functional, and spatial information, amino acid conservation, physicochemical variation, residue mobility, and thermodynamic stability) has been performed for this missense variant. However, the output from this modeling did not meet the statistical confidence thresholds required to predict the impact of this variant on DYNC1H1 protein function. In summary, the available evidence is currently insufficient to determine the role of this variant in disease. Therefore, it has been classified as a Variant of Uncertain Significance.

NM_001376.5(DYNC1H1):c.7318G>A (p.Ala2440Thr)

Gene: DYNC1H1 (dynein cytoplasmic 1 heavy chain 1; plus strand). Cytogenetic location: 14q32.31.
Variant type: single nucleotide variant.
Coding change: c.7318G>A on transcript NM_001376.5 (MANE Select); coding-DNA position 7318, G replaced by A.
Protein change: p.Ala2440Thr; replaces alanine 2440 with threonine.
Molecular consequence: missense variant.
Genome position (GRCh38, 1-based): chr14:102,015,931, G>A. VCF-style: chr14-102015931-G-A. GRCh37 (hg19) VCF-style: chr14-102482268-G-A.
Other names: short protein forms A2440T.
Identifiers: ClinVar variation 950351 (VCV000950351.9), dbSNP rs757980661, ClinGen allele CA7352797.
Genomic context (GRCh38, chr14:102,015,931, plus strand): 5'-GCTACGATCATGCAACCGTACTTCACGTCCAACGGCCTGGTCACCAAGGCGCTAGAGCAC[G>A]CCTTCCAGCTGGAGCACATCATGGACCTAACACGCCTGCGCTGCCTGGGCTCGCTCTTCT-3'
Protein context (NP_001367.2, residues 2430-2450): NGLVTKALEH[Ala2440Thr]FQLEHIMDLT